The following is an entry in ClinVar:

ClinVar aggregate classification (germline): Uncertain significance (1 of 4 stars; one submission).

Submission:

Labcorp Genetics (formerly Invitae), Labcorp
Classification: Uncertain significance. Last evaluated: 2020-03-05. Review status: criteria provided, single submitter. Criteria: Invitae Variant Classification Sherloc (09022015). Collection method: clinical testing. Allele origin: germline.
Comment: This sequence change replaces alanine with serine at codon 2116 of the EYS protein (p.Ala2116Ser). The alanine residue is weakly conserved and there is a moderate physicochemical difference between alanine and serine. In summary, the available evidence is currently insufficient to determine the role of this variant in disease. Therefore, it has been classified as a Variant of Uncertain Significance. Algorithms developed to predict the effect of missense changes on protein structure and function (SIFT, PolyPhen-2, Align-GVGD) all suggest that this variant is likely to be tolerated, but these predictions have not been confirmed by published functional studies and their clinical significance is uncertain. This variant has not been reported in the literature in individuals with EYS-related conditions. This variant is not present in population databases (ExAC no frequency).

NM_001142800.2(EYS):c.6346G>T (p.Ala2116Ser)

Gene: EYS (EGF-like photoreceptor maintenance factor; minus strand). Cytogenetic location: 6q12.
Variant type: single nucleotide variant.
Coding change: c.6346G>T on transcript NM_001142800.2 (MANE Select); coding-DNA position 6346, G replaced by T.
Protein change: p.Ala2116Ser; replaces alanine 2116 with serine.
Molecular consequence: missense variant.
Genome position (GRCh38, 1-based): chr6:64,230,670, C>A on the plus strand (G>T on the coding strand, the complement: EYS is on the minus strand). VCF-style: chr6-64230670-C-A. GRCh37 (hg19) VCF-style: chr6-64940563-C-A.
Other names: c.6346G>T, p.Ala2116Ser (NM_001292009.2); short protein forms A2116S.
Identifiers: ClinVar variation 1015684 (VCV001015684.9), dbSNP rs781499990, ClinGen allele CA364391304.